The following is an entry in ClinVar:

ClinVar aggregate classification (germline): Uncertain significance (1 of 4 stars; one submission).

Conditions:
Hereditary cancer-predisposing syndrome. Also called: Neoplastic Syndromes, Hereditary; Tumor predisposition; Hereditary neoplastic syndrome; Hereditary Cancer Syndrome. Identifiers: Orphanet 140162, MedGen C0027672, MeSH D009386, MONDO:0015356.

Submission:

Ambry Genetics
Classification: Uncertain significance for Hereditary cancer-predisposing syndrome. Last evaluated: 2026-07-06. Review status: criteria provided, single submitter. Criteria: Ambry Variant Classification Scheme 2023. Collection method: clinical testing. Allele origin: germline.
Comment: The p.K887R variant (also known as c.2660A>G), located in coding exon 15 of the RET gene, results from an A to G substitution at nucleotide position 2660. The lysine at codon 887 is replaced by arginine, an amino acid with highly similar properties. This amino acid position is conserved. In addition, this alteration is predicted to be tolerated by in silico analysis. Based on the available evidence, the clinical significance of this variant remains unclear.

NM_020975.6(RET):c.2660A>G (p.Lys887Arg)

Gene: RET (ret proto-oncogene; plus strand). Cytogenetic location: 10q11.21.
Variant type: single nucleotide variant.
Coding change: c.2660A>G on transcript NM_020975.6 (MANE Select); coding-DNA position 2660, A replaced by G.
Protein change: p.Lys887Arg; replaces lysine 887 with arginine.
Molecular consequence: missense variant.
Genome position (GRCh38, 1-based): chr10:43,120,133, A>G. VCF-style: chr10-43120133-A-G. GRCh37 (hg19) VCF-style: chr10-43615581-A-G.
Other names: c.1355A>G, p.Lys452Arg (NM_001406791.1); c.1211A>G, p.Lys404Arg (NM_001406792.1, NM_001406793.1, NM_001406794.1); c.2660A>G, p.Lys887Arg (NM_020630.7, NM_001406743.1, NM_001406744.1 and 2 more transcripts); c.1628A>G, p.Lys543Arg (NM_001406787.1); c.1475A>G, p.Lys492Arg (NM_001406788.1, NM_001406789.1, NM_001406790.1); c.1898A>G, p.Lys633Arg (NM_001355216.2); c.2531A>G, p.Lys844Arg (NM_001406761.1, NM_001406762.1, NM_001406764.1); c.2525A>G, p.Lys842Arg (NM_001406763.1, NM_001406765.1); and 10 more; short protein forms K404R, K548R, K557R, K712R, K741R, K844R, K887R, K452R.
Identifiers: ClinVar variation 5028172 (VCV005028172.1).